The following is an entry in ClinVar:

ClinVar aggregate classification (germline): Uncertain significance (1 of 4 stars; one submission).

Conditions:
AARS1-related disorder. Also called: AARS1-related condition.

gnomAD v4.1: 1 of 1,612,216 alleles (0.000062%); highest among the groups gnomAD compares: Admixed American, 0.0017%; no homozygotes.

Submission:

PreventionGenetics, part of Exact Sciences
Classification: Uncertain significance for AARS1-related condition. Last evaluated: 2025-06-16. Review status: criteria provided, single submitter. Criteria: ACMG Guidelines, 2015. Collection method: clinical testing. Allele origin: germline.
Comment: The AARS1 c.2064G>T variant is predicted to result in the amino acid substitution p.Glu688Asp. To our knowledge, this variant has not been reported in the literature or in a large population database (gnomAD), indicating this variant is rare. At this time, the clinical significance of this variant is uncertain due to the absence of conclusive functional and genetic evidence.

NM_001605.3(AARS1):c.2064G>T (p.Glu688Asp)

Gene: AARS1 (alanyl-tRNA synthetase 1; minus strand). Cytogenetic location: 16q22.1.
Variant type: single nucleotide variant.
Coding change: c.2064G>T on transcript NM_001605.3 (MANE Select); coding-DNA position 2064, G replaced by T.
Protein change: p.Glu688Asp; replaces glutamic acid 688 with aspartic acid.
Molecular consequence: missense variant.
Genome position (GRCh38, 1-based): chr16:70,258,146, C>A on the plus strand (G>T on the coding strand, the complement: AARS1 is on the minus strand). VCF-style: chr16-70258146-C-A. GRCh37 (hg19) VCF-style: chr16-70292049-C-A.
Other names: short protein forms E688D.
Identifiers: ClinVar variation 4998018 (VCV004998018.1).
Genomic context (GRCh38, chr16:70,258,146, plus strand): 5'-ATCCAGCAACTCGGACACCGGGACCCCAATGGAGACGACTCGCACAGGGTCAGGATAGGT[C>A]TCATCAAACACAGCCCGTAGGCCCTGGATGGCTTTCGCTGCTGCCAGGGGGCAATCCTGG-3'
Protein context (NP_001596.2, residues 678-698): AIQGLRAVFD[Glu688Asp]TYPDPVRVVS